The following is an entry in ClinVar:

ClinVar aggregate classification (germline): Uncertain significance (1 of 4 stars; one submission).

gnomAD v4.1: 2 of 1,614,078 alleles (0.00012%); highest among the groups gnomAD compares: Non-Finnish European, 0.00017%; no homozygotes.

Submission:

GeneDx
Classification: Uncertain significance. Last evaluated: 2026-09-20. Review status: criteria provided, single submitter. Criteria: GeneDx Variant Classification Process June 2021. Collection method: clinical testing. Allele origin: germline.
Comment: Not observed at significant frequency in large population cohorts (gnomAD); In silico analysis supports that this missense variant has a deleterious effect on protein structure/function; Has not been previously published as pathogenic or benign to our knowledge

NM_004859.4(CLTC):c.1323G>C (p.Gln441His)

Gene: CLTC (clathrin heavy chain; plus strand). Cytogenetic location: 17q23.1.
Variant type: single nucleotide variant.
Coding change: c.1323G>C on transcript NM_004859.4 (MANE Select); coding-DNA position 1323, G replaced by C.
Protein change: p.Gln441His; replaces glutamine 441 with histidine.
Molecular consequence: missense variant.
Genome position (GRCh38, 1-based): chr17:59,661,598, G>C. VCF-style: chr17-59661598-G-C. GRCh37 (hg19) VCF-style: chr17-57738959-G-C.
Other names: c.1335G>C, p.Gln445His (NM_001288653.2); short protein forms Q441H, Q445H.
Identifiers: ClinVar variation 3383466 (VCV003383466.3).